The following is an entry in ClinVar:

ClinVar aggregate classification (germline): Uncertain significance. Review status: criteria provided, multiple submitters, no conflicts (2 of 4 stars). 4 submissions from 4 submitters: Uncertain significance (4). Last evaluated 2023-11-19.

Conditions:
Inborn genetic diseases. Identifiers: MedGen C0950123, MeSH D030342.
Glycine encephalopathy. Also called: Nonketotic hyperglycinemia; Non-ketotic hyperglycinemia. Identifiers: Orphanet 407, MedGen C0751748, MONDO:0011612, HP:0008288.

Allele frequency attached by ClinVar (database versions not stated): TOPMed 0.00002; 1000 Genomes Project 30x 0.00016; 1000 Genomes Project 0.00020.
gnomAD v4.1: 121 of 1,613,754 alleles (0.0075%); highest among the groups gnomAD compares: Non-Finnish European, 0.0098%; no homozygotes.

Submissions (4):

Labcorp Genetics (formerly Invitae), Labcorp
Classification: Uncertain significance for Glycine encephalopathy. Last evaluated: 2023-11-19. Review status: criteria provided, single submitter. Criteria: Invitae Variant Classification Sherloc (09022015). Collection method: clinical testing. Allele origin: germline.
Comment: This sequence change replaces lysine, which is basic and polar, with asparagine, which is neutral and polar, at codon 842 of the GLDC protein (p.Lys842Asn). This variant is present in population databases (rs548033815, gnomAD 0.004%). This variant has not been reported in the literature in individuals affected with GLDC-related conditions. ClinVar contains an entry for this variant (Variation ID: 1013033). Advanced modeling of protein sequence and biophysical properties (such as structural, functional, and spatial information, amino acid conservation, physicochemical variation, residue mobility, and thermodynamic stability) performed at Invitae indicates that this missense variant is not expected to disrupt GLDC protein function with a negative predictive value of 80%. In summary, the available evidence is currently insufficient to determine the role of this variant in disease. Therefore, it has been classified as a Variant of Uncertain Significance.

Ambry Genetics
Classification: Uncertain significance for Inborn genetic diseases. Last evaluated: 2021-08-10. Review status: criteria provided, single submitter. Criteria: Ambry Variant Classification Scheme 2023. Collection method: clinical testing. Allele origin: germline.

Blueprint Genetics
Classification: Uncertain significance. Last evaluated: 2021-03-22. Review status: criteria provided, single submitter. Criteria: ACMG Guidelines, 2015. Collection method: clinical testing. Allele origin: germline.

CeGaT Center for Human Genetics Tuebingen
Classification: Uncertain significance. Last evaluated: 2020-10-01. Review status: criteria provided, single submitter. Criteria: CeGaT Center For Human Genetics Tuebingen Variant Classification Criteria Version 2. Collection method: clinical testing. Allele origin: germline. Affected: yes. Observed: 1 variant allele.

NM_000170.3(GLDC):c.2526G>C (p.Lys842Asn)

Gene: GLDC (glycine decarboxylase; minus strand). Cytogenetic location: 9p24.1.
Variant type: single nucleotide variant.
Coding change: c.2526G>C on transcript NM_000170.3 (MANE Select); coding-DNA position 2526, G replaced by C.
Protein change: p.Lys842Asn; replaces lysine 842 with asparagine.
Molecular consequence: missense variant.
Genome position (GRCh38, 1-based): chr9:6,550,846, C>G on the plus strand (G>C on the coding strand, the complement: GLDC is on the minus strand). VCF-style: chr9-6550846-C-G. GRCh37 (hg19) VCF-style: chr9-6550846-C-G.
Other names: c.2526G>C (NM_000170.2); short protein forms K842N.
Identifiers: ClinVar variation 1013033 (VCV001013033.43), dbSNP rs548033815, ClinGen allele CA4980186.